The following is an entry in ClinVar:

NM_001348323.3(TRIP12):c.1013A>G (p.Gln338Arg)

Gene: TRIP12 (thyroid hormone receptor interactor 12; minus strand). Cytogenetic location: 2q36.3.
Variant type: single nucleotide variant.
Coding change: c.1013A>G on transcript NM_001348323.3 (MANE Select); coding-DNA position 1013, A replaced by G.
Protein change: p.Gln338Arg; replaces glutamine 338 with arginine.
Molecular consequence: missense variant. On other transcripts: intron variant (1).
Genome position (GRCh38, 1-based): chr2:229,858,786, T>C on the plus strand (A>G on the coding strand, the complement: TRIP12 is on the minus strand). VCF-style: chr2-229858786-T-C. GRCh37 (hg19) VCF-style: chr2-230723502-T-C.
Other names: c.1013A>G, p.Gln338Arg (NM_001284214.2, NM_001348315.2, NM_001348319.1 and 13 more transcripts); c.887A>G, p.Gln296Arg (NM_001284215.2, NM_001348316.2, NM_001348317.1 and 3 more transcripts); c.926A>G, p.Gln309Arg (NM_001348332.1, NM_001348334.1); c.98+21196A>G (NM_001284216.2); c.1013A>G (NM_001284214.1); short protein forms Q309R, Q338R, Q296R.
Identifiers: ClinVar variation 2228803 (VCV002228803.3), dbSNP rs2060036668, ClinGen allele CA350893453.

ClinVar aggregate classification (germline): Uncertain significance. Review status: criteria provided, multiple submitters, no conflicts (2 of 4 stars). 2 submissions from 2 submitters: Uncertain significance (2). Last evaluated 2023-08-09.

Conditions:
TRIP12-related disorder. Also called: TRIP12-related condition.
Inborn genetic diseases. Identifiers: MedGen C0950123, MeSH D030342.

Allele frequency attached by ClinVar (database versions not stated): gnomAD exomes below 0.00001; gnomAD 0.00002; TOPMed 0.00003.
gnomAD v4.1: 7 of 1,575,684 alleles (0.00044%); highest among the groups gnomAD compares: Admixed American, 0.0074%; no homozygotes.

Submissions (2):

PreventionGenetics, part of Exact Sciences
Classification: Uncertain significance for TRIP12-related condition. Last evaluated: 2023-08-09. Review status: criteria provided, single submitter. Criteria: ACMG Guidelines, 2015. Collection method: clinical testing. Allele origin: germline.
Comment: The TRIP12 c.1013A>G variant is predicted to result in the amino acid substitution p.Gln338Arg. To our knowledge, this variant has not been reported in the literature or in a large population database, indicating this variant is rare. At this time, the clinical significance of this variant is uncertain due to the absence of conclusive functional and genetic evidence.

Ambry Genetics
Classification: Uncertain significance for Inborn genetic diseases. Last evaluated: 2021-01-20. Review status: criteria provided, single submitter. Criteria: Ambry Variant Classification Scheme 2023. Collection method: clinical testing. Allele origin: germline.
Comment: The c.887A>G (p.Q296R) alteration is located in exon 3 (coding exon 2) of the TRIP12 gene. This alteration results from a A to G substitution at nucleotide position 887, causing the glutamine (Q) at amino acid position 296 to be replaced by an arginine (R). The p.Q296R alteration is predicted to be tolerated by in silico analysis. Based on insufficient or conflicting evidence, the clinical significance of this alteration remains unclear.